The following is an entry in ClinVar:

NM_015512.5(DNAH1):c.4179C>T (p.Asn1393=)

Gene: DNAH1 (dynein axonemal heavy chain 1; plus strand). Cytogenetic location: 3p21.1.
Variant type: single nucleotide variant.
Coding change: c.4179C>T on transcript NM_015512.5 (MANE Select); coding-DNA position 4179, C replaced by T.
Protein change: p.Asn1393=; no amino-acid change (asparagine 1393 retained).
Molecular consequence: synonymous variant.
Genome position (GRCh38, 1-based): chr3:52,358,650, C>T. VCF-style: chr3-52358650-C-T. GRCh37 (hg19) VCF-style: chr3-52392666-C-T.
Other names: c.4179C>T (NM_015512.4).
Identifiers: ClinVar variation 2935311 (VCV002935311.6), dbSNP rs373407673, ClinGen allele CA2433830.

ClinVar aggregate classification (germline): Likely benign. Review status: criteria provided, multiple submitters, no conflicts (2 of 4 stars). 3 submissions from 3 submitters: Likely benign (2). 1 of the submissions does not count toward it. Last evaluated 2025-06-17.

Conditions:
Spermatogenic failure 18. Identifiers: MedGen C4539783, MONDO:0054615, OMIM 617576.
Ciliary dyskinesia, primary, 37 (CILD37). Also called: CILIARY DYSKINESIA, PRIMARY, 37, WITH OR WITHOUT SITUS INVERSUS. Identifiers: MedGen C4539798, MONDO:0033204, OMIM 617577.
DNAH1-related disorder. Also called: DNAH1-related condition.

Allele frequency attached by ClinVar (database versions not stated): ESP Exome Variant Server 0.00016; TOPMed 0.00017.
gnomAD v4.1: 244 of 1,613,116 alleles (0.015%); highest among the groups gnomAD compares: Non-Finnish European, 0.019%; no homozygotes.

Submissions (3):

Labcorp Genetics (formerly Invitae), Labcorp
Classification: Likely benign for Ciliary dyskinesia, primary, 37; Spermatogenic failure 18. Last evaluated: 2025-06-17. Review status: criteria provided, single submitter. Criteria: Invitae Variant Classification Sherloc (09022015). Collection method: clinical testing. Allele origin: germline.

Blueprint Genetics
Classification: Likely benign. Last evaluated: 2023-08-16. Review status: criteria provided, single submitter. Criteria: ACMG Guidelines, 2015. Collection method: clinical testing. Allele origin: germline.

PreventionGenetics, part of Exact Sciences
Classification: Likely benign for DNAH1-related condition. Last evaluated: 2019-06-13. Review status: no assertion criteria provided. Collection method: clinical testing. Allele origin: germline. Not counted in ClinVar's aggregate classification.
Comment: This variant is classified as likely benign based on ACMG/AMP sequence variant interpretation guidelines (Richards et al. 2015 PMID: 25741868, with internal and published modifications).